The following is an entry in ClinVar:

ClinVar aggregate classification (germline): Conflicting classifications of pathogenicity. Review status: criteria provided, conflicting classifications (1 of 4 stars). 2 submissions from 2 submitters: Uncertain significance (1); Likely benign (1). Last evaluated 2024-09-23.

Allele frequency attached by ClinVar (database versions not stated): gnomAD 0.00001 and 0.00002; gnomAD exomes 0.00001 and 0.00002; TOPMed 0.00002.
gnomAD v4.1: 16 of 1,613,958 alleles (0.00099%); highest among the groups gnomAD compares: East Asian, 0.0022%; no homozygotes.

Submissions (2):

Labcorp Genetics (formerly Invitae), Labcorp
Classification: Likely benign. Last evaluated: 2024-09-23. Review status: criteria provided, single submitter. Criteria: Invitae Variant Classification Sherloc (09022015). Collection method: clinical testing. Allele origin: germline.

Women's Health and Genetics/Laboratory Corporation of America, LabCorp
Classification: Uncertain significance. Last evaluated: 2024-09-17. Review status: criteria provided, single submitter. Criteria: LabCorp Variant Classification Summary - May 2015. Collection method: clinical testing. Allele origin: germline.
Comment: Variant summary: MTOR c.4847G>A (p.Arg1616His) results in a non-conservative amino acid change located in the PIK-related kinase, FAT domain (IPR003151) of the encoded protein sequence. Five of five in-silico tools predict a damaging effect of the variant on protein function. The variant allele was found at a frequency of 1e-05 in 1606962 control chromosomes in the gnomAD database (v4.1 dataset). The occurrence in several carriers suggests that this variant is likely not associated with a high penetrance, severe, early onset disease phenotype in heterozygous state. To our knowledge, no occurrence of c.4847G>A in individuals affected with Smith-Kingsmore Syndrome and no experimental evidence demonstrating its impact on protein function have been reported. ClinVar contains an entry for this variant (Variation ID: 1130416). Based on the evidence outlined above, the variant was classified as VUS-possibly benign.

NM_004958.4(MTOR):c.4847G>A (p.Arg1616His)

Genes: MTOR (mechanistic target of rapamycin kinase; minus strand), MTOR-AS1 (MTOR antisense RNA 1; plus strand). Cytogenetic location: 1p36.22.
Variant type: single nucleotide variant.
Coding change: c.4847G>A on transcript NM_004958.4 (MANE Select); coding-DNA position 4847, G replaced by A.
Protein change: p.Arg1616His; replaces arginine 1616 with histidine.
Molecular consequence: missense variant. On other transcripts: non-coding transcript variant (1).
Genome position (GRCh38, 1-based): chr1:11,144,673, C>T on the plus strand (G>A on the coding strand, the complement: MTOR is on the minus strand). VCF-style: chr1-11144673-C-T. GRCh37 (hg19) VCF-style: chr1-11204730-C-T.
Other names: c.4847G>A, p.Arg1616His (NM_001386500.1); c.3599G>A, p.Arg1200His (NM_001386501.1); short protein forms R1200H, R1616H.
Identifiers: ClinVar variation 1130416 (VCV001130416.10), dbSNP rs1297595805, ClinGen allele CA338366054.